The following is an entry in ClinVar:

NM_001110556.2(FLNA):c.7627T>C (p.Cys2543Arg)

Genes: FLNA (filamin A; minus strand), LOC107988032 (Xq28 proximal FLNA-EMD recombination region; plus strand). Cytogenetic location: Xq28.
Variant type: single nucleotide variant.
Coding change: c.7627T>C on transcript NM_001110556.2 (MANE Select); coding-DNA position 7627, T replaced by C.
Protein change: p.Cys2543Arg; replaces cysteine 2543 with arginine.
Molecular consequence: missense variant.
Genome position (GRCh38, 1-based): chrX:154,349,491, A>G on the plus strand (T>C on the coding strand, the complement: FLNA is on the minus strand). VCF-style: chrX-154349491-A-G. GRCh37 (hg19) VCF-style: chrX-153577859-A-G.
Other names: c.7603T>C, p.Cys2535Arg (NM_001456.4); short protein forms C2535R, C2543R.
Identifiers: ClinVar variation 519882 (VCV000519882.5), dbSNP rs782496288, ClinGen allele CA415180502.

ClinVar aggregate classification (germline): Uncertain significance (1 of 4 stars; one submission).

Conditions:
Familial thoracic aortic aneurysm and aortic dissection (TAAD). Also called: Thoracic aortic aneurysms and dissections. Identifiers: Orphanet 91387, MedGen C4707243, MONDO:0019625.

Submission:

Ambry Genetics
Classification: Uncertain significance for Familial thoracic aortic aneurysm and aortic dissection. Last evaluated: 2016-08-24. Review status: criteria provided, single submitter. Criteria: Ambry Variant Classification Scheme 2023. Collection method: clinical testing. Allele origin: germline.
Comment: The p.C2535R variant (also known as c.7603T>C), located in coding exon 45 of the FLNA gene, results from a T to C substitution at nucleotide position 7603. The cysteine at codon 2535 is replaced by arginine, an amino acid with highly dissimilar properties. This variant was not reported in population based cohorts in the following databases: Database of Single Nucleotide Polymorphisms (dbSNP), NHLBI Exome Sequencing Project (ESP), and 1000 Genomes Project. In the ESP, this variant was not observed in 6064 samples with coverage at this position. This amino acid position is poorly conserved in available vertebrate species. In addition, this alteration is predicted to be tolerated by in silico analysis. Since supporting evidence is limited at this time, the clinical significance of this alteration remains unclear.